The following is an entry in ClinVar:

NM_000516.7(GNAS):c.738C>G (p.Phe246Leu)

Gene: GNAS (GNAS complex locus; plus strand). Cytogenetic location: 20q13.32.
Variant type: single nucleotide variant.
Coding change: c.738C>G on transcript NM_000516.7 (MANE Select); coding-DNA position 738, C replaced by G.
Protein change: p.Phe246Leu; replaces phenylalanine 246 with leucine.
Molecular consequence: missense variant. On other transcripts: 3 prime UTR variant (2).
Genome position (GRCh38, 1-based): chr20:58,909,703, C>G. VCF-style: chr20-58909703-C-G. GRCh37 (hg19) VCF-style: chr20-57484758-C-G.
Other names: c.741C>G, p.Phe247Leu (NM_001077488.5); c.693C>G, p.Phe231Leu (NM_001077489.4); c.*599C>G (NM_001077490.3); c.561C>G, p.Phe187Leu (NM_001309840.2, NM_001309861.2, NM_001438276.1 and 1 more transcripts); c.642C>G, p.Phe214Leu (NM_001410912.1); c.2622C>G, p.Phe874Leu (NM_001410913.1); c.516C>G, p.Phe172Leu (NM_001438273.1, NM_001438274.1, NM_001438275.1); c.*644C>G (NM_016592.5); and 2 more; short protein forms F231L, F247L, F889L, F172L, F187L, F214L, F246L, F874L.
Identifiers: ClinVar variation 4744466 (VCV004744466.1).
Genomic context (GRCh38, chr20:58,909,703, plus strand): 5'-GGTCGCTGCTCACGCTCTTGGCTTTGCTCTCTTTGGTTAAGATGTGACTGCCATCATCTT[C>G]GTGGTGGCCAGCAGCAGCTACAACATGGTCATCCGGGAGGACAACCAGACCAACCGCCTG-3'
Protein context (NP_000507.1, residues 236-256): QCFNDVTAII[Phe246Leu]VVASSSYNMV

ClinVar aggregate classification (germline): Uncertain significance (1 of 4 stars; one submission).

Submission:

Labcorp Genetics (formerly Invitae), Labcorp
Classification: Uncertain significance. Last evaluated: 2025-10-05. Review status: criteria provided, single submitter. Criteria: Invitae Variant Classification Sherloc (09022015). Collection method: clinical testing. Allele origin: germline.
Comment: This sequence change replaces phenylalanine, which is neutral and non-polar, with leucine, which is neutral and non-polar, at codon 246 of the GNAS protein (p.Phe246Leu). This variant is not present in population databases (gnomAD no frequency). This variant has not been reported in the literature in individuals affected with GNAS-related conditions. Invitae Evidence Modeling of protein sequence and biophysical properties (such as structural, functional, and spatial information, amino acid conservation, physicochemical variation, residue mobility, and thermodynamic stability) indicates that this missense variant is expected to disrupt GNAS protein function with a positive predictive value of 80%. In summary, the available evidence is currently insufficient to determine the role of this variant in disease. Therefore, it has been classified as a Variant of Uncertain Significance.